The following is an entry in ClinVar:

NM_005518.4(HMGCS2):c.346C>T (p.Arg116Cys)

Gene: HMGCS2 (3-hydroxy-3-methylglutaryl-CoA synthase 2; minus strand). Cytogenetic location: 1p12.
Variant type: single nucleotide variant.
Coding change: c.346C>T on transcript NM_005518.4 (MANE Select); coding-DNA position 346, C replaced by T.
Protein change: p.Arg116Cys; replaces arginine 116 with cysteine.
Molecular consequence: missense variant.
Genome position (GRCh38, 1-based): chr1:119,764,385, G>A on the plus strand (C>T on the coding strand, the complement: HMGCS2 is on the minus strand). VCF-style: chr1-119764385-G-A. GRCh37 (hg19) VCF-style: chr1-120307008-G-A.
Other names: p.R116C:CGC>TGC; c.346C>T, p.Arg116Cys (NM_001166107.1); short protein forms R116C.
Identifiers: ClinVar variation 203779 (VCV000203779.11), dbSNP rs200607527, ClinGen allele CA312641.
Genomic context (GRCh38, chr1:119,764,385, plus strand): 5'-CAATGATGGTCTCAGTGCCTACTTCCAGCCTGCCCACAGAGTCCCATGGGAGCTGTATGC[G>A]CTCCATCAGCCGTTGCACCACCGTCAGGCACAGGGAGTTGATGTCCTCTTGGACTGAGCA-3'
Protein context (NP_005509.1, residues 106-126): CLTVVQRLME[Arg116Cys]IQLPWDSVGR

ClinVar aggregate classification (germline): Uncertain significance. Review status: criteria provided, multiple submitters, no conflicts (2 of 4 stars). 2 submissions from 2 submitters: Uncertain significance (2). Last evaluated 2021-09-01.

Conditions:
3-hydroxy-3-methylglutaryl-CoA synthase deficiency (HMGCS2D). Also called: HMGCS2 DEFICIENCY; HMG-CoA synthase-2 deficiency; MITOCHONDRIAL HMG-CoA SYNTHASE DEFICIENCY. Identifiers: Orphanet 35701, MedGen C2751532, MONDO:0011614, OMIM 605911.

Allele frequency attached by ClinVar (database versions not stated): ExAC 0.00002; gnomAD 0.00002; TOPMed 0.00002; gnomAD exomes 0.00004 and 0.00008.
gnomAD v4.1: 120 of 1,614,080 alleles (0.0074%); highest among the groups gnomAD compares: Non-Finnish European, 0.0091%; no homozygotes.

Submissions (2):

Labcorp Genetics (formerly Invitae), Labcorp
Classification: Uncertain significance for 3-hydroxy-3-methylglutaryl-CoA synthase deficiency. Last evaluated: 2021-09-01. Review status: criteria provided, single submitter. Criteria: Invitae Variant Classification Sherloc (09022015). Collection method: clinical testing. Allele origin: germline.
Comment: This sequence change replaces arginine with cysteine at codon 116 of the HMGCS2 protein (p.Arg116Cys). The arginine residue is highly conserved and there is a large physicochemical difference between arginine and cysteine. This variant is present in population databases (rs200607527, ExAC 0.004%). This variant has not been reported in the literature in individuals affected with HMGCS2-related conditions. ClinVar contains an entry for this variant (Variation ID: 203779). Algorithms developed to predict the effect of missense changes on protein structure and function are either unavailable or do not agree on the potential impact of this missense change (SIFT: "Deleterious"; PolyPhen-2: "Probably Damaging"; Align-GVGD: "Class C15"). In summary, the available evidence is currently insufficient to determine the role of this variant in disease. Therefore, it has been classified as a Variant of Uncertain Significance.

GeneDx
Classification: Uncertain significance. Last evaluated: 2019-04-19. Review status: criteria provided, single submitter. Criteria: GeneDx Variant Classification Process June 2021. Collection method: clinical testing. Allele origin: germline. Affected: yes.
Comment: Not observed at a significant frequency in large population cohorts (Lek et al., 2016); The majority of missense variants in this gene are considered pathogenic (Stenson et al., 2014); In silico analysis, which includes protein predictors and evolutionary conservation, supports a deleterious effect; Has not been previously published as pathogenic or benign to our knowledge